The following is an entry in ClinVar:

ClinVar aggregate classification (germline): Uncertain significance. Review status: criteria provided, multiple submitters, no conflicts (2 of 4 stars). 2 submissions from 2 submitters: Uncertain significance (2). Last evaluated 2022-05-13.

Conditions:
Cardiovascular phenotype. Identifiers: MedGen CN230736.
Alstrom syndrome (ALMS). Identifiers: Orphanet 64, MedGen C0268425, MONDO:0008763, OMIM 203800.

Allele frequency attached by ClinVar (database versions not stated): gnomAD 0.00001; gnomAD exomes 0.00001; ExAC 0.00002; TOPMed 0.00002.
gnomAD v4.1: 28 of 1,613,934 alleles (0.0017%); highest among the groups gnomAD compares: South Asian, 0.022%; no homozygotes.

Submissions (2):

Ambry Genetics
Classification: Uncertain significance for Cardiovascular phenotype. Last evaluated: 2022-05-13. Review status: criteria provided, single submitter. Criteria: Ambry Variant Classification Scheme 2023. Collection method: clinical testing. Allele origin: germline.

Labcorp Genetics (formerly Invitae), Labcorp
Classification: Uncertain significance for Alstrom syndrome. Last evaluated: 2022-03-12. Review status: criteria provided, single submitter. Criteria: Invitae Variant Classification Sherloc (09022015). Collection method: clinical testing. Allele origin: germline.
Comment: This sequence change replaces arginine, which is basic and polar, with glutamine, which is neutral and polar, at codon 2722 of the ALMS1 protein (p.Arg2722Gln). This variant is present in population databases (rs745857579, gnomAD 0.007%). This variant has not been reported in the literature in individuals affected with ALMS1-related conditions. Experimental studies and prediction algorithms are not available or were not evaluated, and the functional significance of this variant is currently unknown. In summary, the available evidence is currently insufficient to determine the role of this variant in disease. Therefore, it has been classified as a Variant of Uncertain Significance.

NM_001378454.1(ALMS1):c.8162G>A (p.Arg2721Gln)

Gene: ALMS1 (ALMS1 centrosome and basal body associated protein; plus strand). Cytogenetic location: 2p13.1.
Variant type: single nucleotide variant.
Coding change: c.8162G>A on transcript NM_001378454.1 (MANE Select); coding-DNA position 8162, G replaced by A.
Protein change: p.Arg2721Gln; replaces arginine 2721 with glutamine.
Molecular consequence: missense variant.
Genome position (GRCh38, 1-based): chr2:73,490,121, G>A. VCF-style: chr2-73490121-G-A. GRCh37 (hg19) VCF-style: chr2-73717248-G-A.
Other names: c.8165G>A, p.Arg2722Gln (NM_015120.4); short protein forms R2721Q, R2722Q.
Identifiers: ClinVar variation 1400284 (VCV001400284.6), dbSNP rs745857579, ClinGen allele CA1714415.